The following is an entry in ClinVar:

NM_005869.4(CWC27):c.892A>G (p.Lys298Glu)

Gene: CWC27 (CWC27 spliceosome associated cyclophilin; plus strand). Cytogenetic location: 5q12.3.
Variant type: single nucleotide variant.
Coding change: c.892A>G on transcript NM_005869.4 (MANE Select); coding-DNA position 892, A replaced by G.
Protein change: p.Lys298Glu; replaces lysine 298 with glutamic acid.
Molecular consequence: missense variant.
Genome position (GRCh38, 1-based): chr5:64,804,340, A>G. VCF-style: chr5-64804340-A-G. GRCh37 (hg19) VCF-style: chr5-64100167-A-G.
Other names: c.892A>G, p.Lys298Glu (NM_001297644.1, NM_001297645.2, NM_001318000.2 and 1 more transcripts); short protein forms K298E.
Identifiers: ClinVar variation 1058759 (VCV001058759.9), dbSNP rs747909538, ClinGen allele CA3282115.

ClinVar aggregate classification (germline): Uncertain significance (1 of 4 stars; one submission).

Allele frequency attached by ClinVar (database versions not stated): gnomAD exomes below 0.00001; ExAC 0.00001.
gnomAD v4.1: 2 of 1,612,998 alleles (0.00012%); highest among the groups gnomAD compares: Non-Finnish European, 0.00017%; no homozygotes.

Submission:

Labcorp Genetics (formerly Invitae), Labcorp
Classification: Uncertain significance. Last evaluated: 2023-12-11. Review status: criteria provided, single submitter. Criteria: Invitae Variant Classification Sherloc (09022015). Collection method: clinical testing. Allele origin: germline.
Comment: This sequence change replaces lysine, which is basic and polar, with glutamic acid, which is acidic and polar, at codon 298 of the CWC27 protein (p.Lys298Glu). This variant is present in population databases (rs747909538, gnomAD 0.0009%). This variant has not been reported in the literature in individuals affected with CWC27-related conditions. ClinVar contains an entry for this variant (Variation ID: 1058759). An algorithm developed to predict the effect of missense changes on protein structure and function (PolyPhen-2) suggests that this variant is likely to be tolerated. In summary, the available evidence is currently insufficient to determine the role of this variant in disease. Therefore, it has been classified as a Variant of Uncertain Significance.